The following is an entry in ClinVar:

NC_012920.1(MT-TK):m.8311T>A

Gene: MT-TK (mitochondrially encoded tRNA lysine; plus strand).
Variant type: single nucleotide variant.
Genome position: chrM-8311-T-A.
Identifiers: ClinVar variation 690068 (VCV000690068.1), dbSNP rs371589230, ClinGen allele CA913178916.

ClinVar aggregate classification (germline): Uncertain significance (1 of 4 stars; one submission).

Conditions:
MELAS syndrome (MELAS). Also called: Juvenile myopathy, encephalopathy, lactic acidosis, stroke. Identifiers: Orphanet 550, MedGen C0162671, MONDO:0010789, OMIM 540000.

Submission:

Wong Mito Lab, Molecular and Human Genetics, Baylor College of Medicine
Classification: Uncertain significance for MELAS syndrome. Last evaluated: 2019-07-12. Review status: criteria provided, single submitter. Criteria: Modified ACMG Guidelines (Unpublished). Collection method: clinical testing. Allele origin: germline.
Comment: The NC_012920.1:m.8311T>A variant in MT-TK gene is interpreted to be a Unknown Significance variant based on the modified ACMG guidelines (unpublished). This variant meets the following evidence codes reported in the guidelines: BP4, BP6, PP7

Literature cited by the submitters: PubMed 31965079.